The following is an entry in ClinVar:

ClinVar aggregate classification (germline): Uncertain significance (1 of 4 stars; one submission).

Conditions:
Emery-Dreifuss muscular dystrophy 4, autosomal dominant (EDMD4). Also called: EMERY-DREIFUSS MUSCULAR DYSTROPHY 4 WITH VARIABLE FEATURES. Identifiers: Orphanet 261, MedGen C2751807, MONDO:0013071, OMIM 612998.
Autosomal recessive ataxia, Beauce type. Also called: Spinocerebellar ataxia, autosomal recessive 8; ATAXIA, RECESSIVE, OF BEAUCE; SYNE1 Deficiency; SYNE1-Related Autosomal Recessive Cerebellar Ataxia. Identifiers: Orphanet 88644, MedGen C1853116, MONDO:0012549, OMIM 610743.

gnomAD v4.1: 5 of 1,613,844 alleles (0.00031%); highest among the groups gnomAD compares: Non-Finnish European, 0.00042%; no homozygotes.

Submission:

Labcorp Genetics (formerly Invitae), Labcorp
Classification: Uncertain significance for Emery-Dreifuss muscular dystrophy 4, autosomal dominant; Autosomal recessive ataxia, Beauce type. Last evaluated: 2022-07-06. Review status: criteria provided, single submitter. Criteria: Invitae Variant Classification Sherloc (09022015). Collection method: clinical testing. Allele origin: germline.
Comment: This sequence change replaces alanine, which is neutral and non-polar, with threonine, which is neutral and polar, at codon 2228 of the SYNE1 protein (p.Ala2228Thr). This variant is not present in population databases (gnomAD no frequency). This variant has not been reported in the literature in individuals affected with SYNE1-related conditions. ClinVar contains an entry for this variant (Variation ID: 1420437). Algorithms developed to predict the effect of missense changes on protein structure and function output the following: SIFT: "Tolerated"; PolyPhen-2: "Benign"; Align-GVGD: "Class C0". The threonine amino acid residue is found in multiple mammalian species, which suggests that this missense change does not adversely affect protein function. In summary, the available evidence is currently insufficient to determine the role of this variant in disease. Therefore, it has been classified as a Variant of Uncertain Significance.

NM_182961.4(SYNE1):c.6661G>A (p.Ala2221Thr)

Gene: SYNE1 (spectrin repeat containing nuclear envelope protein 1; minus strand). Cytogenetic location: 6q25.2.
Variant type: single nucleotide variant.
Coding change: c.6661G>A on transcript NM_182961.4 (MANE Select); coding-DNA position 6661, G replaced by A.
Protein change: p.Ala2221Thr; replaces alanine 2221 with threonine.
Molecular consequence: missense variant.
Genome position (GRCh38, 1-based): chr6:152,407,076, C>T on the plus strand (G>A on the coding strand, the complement: SYNE1 is on the minus strand). VCF-style: chr6-152407076-C-T. GRCh37 (hg19) VCF-style: chr6-152728211-C-T.
Other names: c.6682G>A, p.Ala2228Thr (NM_033071.5); short protein forms A2228T, A2221T.
Identifiers: ClinVar variation 1420437 (VCV001420437.8), dbSNP rs2154165359, ClinGen allele CA366123876.